The following is an entry in ClinVar:

NM_000017.4(ACADS):c.635C>A (p.Ala212Asp)

Gene: ACADS (acyl-CoA dehydrogenase short chain; plus strand). Cytogenetic location: 12q24.31.
Variant type: single nucleotide variant.
Coding change: c.635C>A on transcript NM_000017.4 (MANE Select); coding-DNA position 635, C replaced by A.
Protein change: p.Ala212Asp; replaces alanine 212 with aspartic acid.
Molecular consequence: missense variant.
Genome position (GRCh38, 1-based): chr12:120,738,290, C>A. VCF-style: chr12-120738290-C-A. GRCh37 (hg19) VCF-style: chr12-121176093-C-A.
Other names: c.623C>A, p.Ala208Asp (NM_001302554.2); short protein forms A208D, A212D.
Identifiers: ClinVar variation 3714624 (VCV003714624.2).

ClinVar aggregate classification (germline): Uncertain significance (1 of 4 stars; one submission).

Conditions:
Deficiency of butyryl-CoA dehydrogenase (ACADSD). Also called: SCAD DEFICIENCY, MILD; ACYL-CoA DEHYDROGENASE, SHORT-CHAIN, DEFICIENCY OF; Short-Chain Acyl-CoA Dehydrogenase Deficiency; SCAD Deficiency; SCADH DEFICIENCY; ACADS DEFICIENCY. Identifiers: Orphanet 26792, MedGen C0342783, MONDO:0008722, OMIM 201470. Disease mechanism: May be benign.

gnomAD v4.1: 2 of 1,614,202 alleles (0.00012%); highest among the groups gnomAD compares: South Asian, 0.0011%; no homozygotes.

Submission:

Labcorp Genetics (formerly Invitae), Labcorp
Classification: Uncertain significance for Deficiency of butyryl-CoA dehydrogenase. Last evaluated: 2024-08-05. Review status: criteria provided, single submitter. Criteria: Invitae Variant Classification Sherloc (09022015). Collection method: clinical testing. Allele origin: germline.
Comment: This sequence change replaces alanine, which is neutral and non-polar, with aspartic acid, which is acidic and polar, at codon 212 of the ACADS protein (p.Ala212Asp). This variant is present in population databases (rs773170167, gnomAD 0.0009%). This variant has not been reported in the literature in individuals affected with ACADS-related conditions. Advanced modeling of protein sequence and biophysical properties (such as structural, functional, and spatial information, amino acid conservation, physicochemical variation, residue mobility, and thermodynamic stability) performed at Invitae indicates that this missense variant is expected to disrupt ACADS protein function with a positive predictive value of 95%. In summary, the available evidence is currently insufficient to determine the role of this variant in disease. Therefore, it has been classified as a Variant of Uncertain Significance.